The following is an entry in ClinVar:

NM_016035.5(COQ4):c.771A>T (p.Pro257=)

Gene: COQ4 (coenzyme Q4; plus strand). Cytogenetic location: 9q34.11.
Variant type: single nucleotide variant.
Coding change: c.771A>T on transcript NM_016035.5 (MANE Select); coding-DNA position 771, A replaced by T.
Protein change: p.Pro257=; no amino-acid change (proline 257 retained).
Molecular consequence: synonymous variant. On other transcripts: 3 prime UTR variant (1).
Genome position (GRCh38, 1-based): chr9:128,333,618, A>T. VCF-style: chr9-128333618-A-T. GRCh37 (hg19) VCF-style: chr9-131095897-A-T.
Other names: p.Pro257=; c.*147A>T (NM_001305942.2).
Identifiers: ClinVar variation 542775 (VCV000542775.12), dbSNP rs993278939, ClinGen allele CA200342903.
Genomic context (GRCh38, chr9:128,333,618, plus strand): 5'-TGAGCGGCGCTGGGAGCAGTCCCTGAGGGCTCTGCGGGAGGAGCTGGGCATTACAGCACC[A>T]CCCATGCACGTCCAGGGCTTGGCCTGAGCTCCTGAGCCAGCGGGGCCTGGCCTACCTCCC-3'
Protein context (NP_057119.3, residues 247-265): ALREELGITA[Pro257=]PMHVQGLA

ClinVar aggregate classification (germline): Likely benign. Review status: criteria provided, multiple submitters, no conflicts (2 of 4 stars). 2 submissions from 2 submitters: Likely benign (2). Last evaluated 2025-12-18.

Conditions:
Neonatal encephalomyopathy-cardiomyopathy-respiratory distress syndrome. Also called: Coenzyme Q10 deficiency, primary, 7. Identifiers: Orphanet 457185, MedGen C5568562, MONDO:0014562, OMIM 616276.

Allele frequency attached by ClinVar (database versions not stated): gnomAD exomes 0.00003 and 0.00004; TOPMed 0.00003; gnomAD 0.00005.
gnomAD v4.1: 60 of 1,586,416 alleles (0.0038%); highest among the groups gnomAD compares: Admixed American, 0.009%; no homozygotes.

Submissions (2):

Mayo Clinic Laboratories, Mayo Clinic
Classification: Likely benign. Last evaluated: 2025-12-18. Review status: criteria provided, single submitter. Criteria: ACMG Guidelines, 2015. Collection method: clinical testing. Allele origin: germline. Observed: 1 variant allele.
Comment: BP4, BP7

Labcorp Genetics (formerly Invitae), Labcorp
Classification: Likely benign for Neonatal encephalomyopathy-cardiomyopathy-respiratory distress syndrome. Last evaluated: 2025-08-03. Review status: criteria provided, single submitter. Criteria: Invitae Variant Classification Sherloc (09022015). Collection method: clinical testing. Allele origin: germline.